The following is an entry in ClinVar:

NM_001378120.1(MBD5):c.4170G>T (p.Arg1390Ser)

Gene: MBD5 (methyl-CpG binding domain protein 5; plus strand). Cytogenetic location: 2q23.1.
Variant type: single nucleotide variant.
Coding change: c.4170G>T on transcript NM_001378120.1 (MANE Select); coding-DNA position 4170, G replaced by T.
Protein change: p.Arg1390Ser; replaces arginine 1390 with serine.
Molecular consequence: missense variant.
Genome position (GRCh38, 1-based): chr2:148,489,802, G>T. VCF-style: chr2-148489802-G-T. GRCh37 (hg19) VCF-style: chr2-149247371-G-T.
Other names: c.3471G>T, p.Arg1157Ser (NM_018328.5); short protein forms R1157S, R1390S.
Identifiers: ClinVar variation 941965 (VCV000941965.8), dbSNP rs1312513915, ClinGen allele CA348728167.

ClinVar aggregate classification (germline): Uncertain significance (1 of 4 stars; one submission).

Conditions:
Intellectual developmental disorder, autosomal dominant 1. Also called: Intellectual disability, autosomal dominant 1; MBD5 Haploinsufficiency. Identifiers: Orphanet 228402, MedGen C1969562, MONDO:0007974, OMIM 156200.

Allele frequency attached by ClinVar (database versions not stated): gnomAD exomes 0.00001; TOPMed below 0.00001.
gnomAD v4.1: 9 of 1,614,114 alleles (0.00056%); highest among the groups gnomAD compares: Non-Finnish European, 0.00076%; no homozygotes.

Submission:

Labcorp Genetics (formerly Invitae), Labcorp
Classification: Uncertain significance for Intellectual developmental disorder, autosomal dominant 1. Last evaluated: 2023-06-18. Review status: criteria provided, single submitter. Criteria: Invitae Variant Classification Sherloc (09022015). Collection method: clinical testing. Allele origin: germline.
Comment: In summary, the available evidence is currently insufficient to determine the role of this variant in disease. Therefore, it has been classified as a Variant of Uncertain Significance. This sequence change replaces arginine, which is basic and polar, with serine, which is neutral and polar, at codon 1157 of the MBD5 protein (p.Arg1157Ser). This variant is present in population databases (no rsID available, gnomAD 0.003%). This variant has not been reported in the literature in individuals affected with MBD5-related conditions. ClinVar contains an entry for this variant (Variation ID: 941965). Experimental studies and prediction algorithms are not available or were not evaluated, and the functional significance of this variant is currently unknown.